The following is an entry in ClinVar:

ClinVar aggregate classification (germline): Uncertain significance. Review status: criteria provided, multiple submitters, no conflicts (2 of 4 stars). 2 submissions from 2 submitters: Uncertain significance (2). Last evaluated 2025-09-10.

Conditions:
Arrhythmogenic cardiomyopathy with wooly hair and keratoderma. Also called: Dilated cardiomyopathy with woolly hair and keratoderma; PALMOPLANTAR KERATODERMA WITH LEFT VENTRICULAR CARDIOMYOPATHY AND WOOLLY HAIR; Carvajal syndrome; Arrhythmogenic cardiomyopathy with woolly hair and keratoderma. Identifiers: Orphanet 65282, MedGen C1854063, MONDO:0011581, OMIM 605676.

gnomAD v4.1: 4 of 1,614,216 alleles (0.00025%); highest among the groups gnomAD compares: African/African-American, 0.0053%; no homozygotes.

Submissions (2):

Genomic Medicine Center of Excellence, King Faisal Specialist Hospital and Research Centre
Classification: Uncertain significance for Arrhythmogenic cardiomyopathy with wooly hair and keratoderma. Last evaluated: 2025-09-10. Review status: criteria provided, single submitter. Criteria: ACMG Guidelines, 2015. Collection method: clinical testing. Allele origin: germline.

GeneDx
Classification: Uncertain significance. Last evaluated: 2024-11-14. Review status: criteria provided, single submitter. Criteria: GeneDx Variant Classification Process June 2021. Collection method: clinical testing. Allele origin: germline.
Comment: Has not been previously published as pathogenic or benign to our knowledge; Not observed at significant frequency in large population cohorts (gnomAD); In silico analysis indicates that this missense variant does not alter protein structure/function

NM_004415.4(DSP):c.1738A>T (p.Ile580Leu)

Gene: DSP (desmoplakin; plus strand). Cytogenetic location: 6p24.3.
Variant type: single nucleotide variant.
Coding change: c.1738A>T on transcript NM_004415.4 (MANE Select); coding-DNA position 1738, A replaced by T.
Protein change: p.Ile580Leu; replaces isoleucine 580 with leucine.
Molecular consequence: missense variant.
Genome position (GRCh38, 1-based): chr6:7,571,419, A>T. VCF-style: chr6-7571419-A-T. GRCh37 (hg19) VCF-style: chr6-7571652-A-T.
Other names: c.1738A>T, p.Ile580Leu (NM_001008844.3, NM_001319034.2); short protein forms I580L.
Identifiers: ClinVar variation 3365359 (VCV003365359.3).
Genomic context (GRCh38, chr6:7,571,419, plus strand): 5'-TCACTTCTGCCTGTCTCCTTTCAGCTGAAAACAATGCGGCAGGAAGATTACATGAAGACG[A>T]TAGCCGACCTTGAGTTACATTACCAAGAGTTCATCAGAAATAGCCAAGGCTCAGAGATGT-3'
Protein context (NP_004406.2, residues 570-590): TMRQEDYMKT[Ile580Leu]ADLELHYQEF